The following is an entry in ClinVar:

ClinVar aggregate classification (germline): Uncertain significance. Review status: criteria provided, multiple submitters, no conflicts (2 of 4 stars). 2 submissions from 2 submitters: Uncertain significance (2). Last evaluated 2023-03-19.

Conditions:
Dilated cardiomyopathy 1O (CMD1O). Also called: CARDIOMYOPATHY, DILATED, WITH VENTRICULAR TACHYCARDIA. Identifiers: Orphanet 154, MedGen C1837839, MONDO:0012062, OMIM 608569.

Submissions (2):

Labcorp Genetics (formerly Invitae), Labcorp
Classification: Uncertain significance for Dilated cardiomyopathy 1O. Last evaluated: 2023-03-19. Review status: criteria provided, single submitter. Criteria: Invitae Variant Classification Sherloc (09022015). Collection method: clinical testing. Allele origin: germline.
Comment: This sequence change replaces leucine, which is neutral and non-polar, with arginine, which is basic and polar, at codon 526 of the ABCC9 protein (p.Leu526Arg). This variant is not present in population databases (gnomAD no frequency). This variant has not been reported in the literature in individuals affected with ABCC9-related conditions. ClinVar contains an entry for this variant (Variation ID: 464655). Advanced modeling of protein sequence and biophysical properties (such as structural, functional, and spatial information, amino acid conservation, physicochemical variation, residue mobility, and thermodynamic stability) has been performed at Invitae for this missense variant, however the output from this modeling did not meet the statistical confidence thresholds required to predict the impact of this variant on ABCC9 protein function. In summary, the available evidence is currently insufficient to determine the role of this variant in disease. Therefore, it has been classified as a Variant of Uncertain Significance.

AiLife Diagnostics
Classification: Uncertain significance. Last evaluated: 2022-02-16. Review status: criteria provided, single submitter. Criteria: ACMG Guidelines, 2015. Collection method: clinical testing. Allele origin: germline. Affected: yes. Observed: 1 variant allele.

NM_020297.4(ABCC9):c.1577T>G (p.Leu526Arg)

Gene: ABCC9 (ATP binding cassette subfamily C member 9; minus strand). Cytogenetic location: 12p12.1.
Variant type: single nucleotide variant.
Coding change: c.1577T>G on transcript NM_020297.4 (MANE Select); coding-DNA position 1577, T replaced by G.
Protein change: p.Leu526Arg; replaces leucine 526 with arginine.
Molecular consequence: missense variant.
Genome position (GRCh38, 1-based): chr12:21,906,167, A>C on the plus strand (T>G on the coding strand, the complement: ABCC9 is on the minus strand). VCF-style: chr12-21906167-A-C. GRCh37 (hg19) VCF-style: chr12-22059101-A-C.
Other names: c.1577T>G, p.Leu526Arg (NM_001377273.1, NM_005691.4); c.713T>G, p.Leu238Arg (NM_001377274.1); short protein forms L526R, L238R.
Identifiers: ClinVar variation 464655 (VCV000464655.9), dbSNP rs1555112333, ClinGen allele CA384139092.
Genomic context (GRCh38, chr12:21,906,167, plus strand): 5'-TAGAGCAACAGCAACTTACTGGAGAGTGATGTATATAGTGCAAAGGTTTTGAGACTAGAT[A>C]GTTCTTTCATTCTTGTTTCCTCCACACTTTTGCAGAAAATGTGTTCCCAGGCATACAATT-3'
Protein context (NP_064693.2, residues 516-536): KSVEETRMKE[Leu526Arg]SSLKTFALYT